The following is an entry in ClinVar:

ClinVar aggregate classification (germline): Benign/Likely benign. Review status: criteria provided, multiple submitters, no conflicts (2 of 4 stars). 6 submissions from 6 submitters: Benign (2); Likely benign (4). Last evaluated 2026-01-24.

Conditions:
Autosomal recessive ataxia, Beauce type. Also called: Spinocerebellar ataxia, autosomal recessive 8; ATAXIA, RECESSIVE, OF BEAUCE; SYNE1 Deficiency; SYNE1-Related Autosomal Recessive Cerebellar Ataxia. Identifiers: Orphanet 88644, MedGen C1853116, MONDO:0012549, OMIM 610743.
Arthrogryposis multiplex congenita 3, myogenic type. Also called: ARTHROGRYPOSIS MULTIPLEX CONGENITA, MYOGENIC TYPE. Identifiers: MedGen C5193121, MONDO:0032778, OMIM 618484.
Emery-Dreifuss muscular dystrophy 4, autosomal dominant (EDMD4). Also called: EMERY-DREIFUSS MUSCULAR DYSTROPHY 4 WITH VARIABLE FEATURES. Identifiers: Orphanet 261, MedGen C2751807, MONDO:0013071, OMIM 612998.

Allele frequency attached by ClinVar (database versions not stated): gnomAD exomes 0.00022 and 0.00061; ExAC 0.00092; TOPMed 0.00251; gnomAD 0.00268 and 0.00284; ESP Exome Variant Server 0.00300; 1000 Genomes Project 0.00339; 1000 Genomes Project 30x 0.00344.
gnomAD v4.1: 735 of 1,614,186 alleles (0.046%); highest among the groups gnomAD compares: African/African-American, 0.82%; 1 homozygote.

Submissions (6):

Labcorp Genetics (formerly Invitae), Labcorp
Classification: Benign for Emery-Dreifuss muscular dystrophy 4, autosomal dominant; Autosomal recessive ataxia, Beauce type. Last evaluated: 2026-01-24. Review status: criteria provided, single submitter. Criteria: Invitae Variant Classification Sherloc (09022015). Collection method: clinical testing. Allele origin: germline.

Mayo Clinic Laboratories, Mayo Clinic
Classification: Likely benign. Last evaluated: 2025-10-11. Review status: criteria provided, single submitter. Criteria: ACMG Guidelines, 2015. Collection method: clinical testing. Allele origin: germline. Observed: 2 variant alleles.
Comment: BA1, BP4

Fulgent Genetics
Classification: Likely benign for Autosomal recessive ataxia, Beauce type; Emery-Dreifuss muscular dystrophy 4, autosomal dominant; Arthrogryposis multiplex congenita 3, myogenic type. Last evaluated: 2021-09-20. Review status: criteria provided, single submitter. Criteria: ACMG Guidelines, 2015. Collection method: clinical testing. Allele origin: unknown.

GeneDx
Classification: Likely benign. Last evaluated: 2020-11-12. Review status: criteria provided, single submitter. Criteria: GeneDx Variant Classification Process June 2021. Collection method: clinical testing. Allele origin: germline. Affected: yes.

Athena Diagnostics
Classification: Likely benign. Last evaluated: 2017-10-26. Review status: criteria provided, single submitter. Criteria: Athena Diagnostics Criteria. Collection method: clinical testing. Allele origin: germline.

Eurofins Ntd Llc (ga)
Classification: Benign. Last evaluated: 2016-05-24. Review status: criteria provided, single submitter. Criteria: EGL Classification Definitions 2015. Collection method: clinical testing. Allele origin: germline. Observed: 2 variant alleles, 2 heterozygotes.

Literature cited by the submitters: PubMed 33384710 (cited by Mayo Clinic Laboratories, Mayo Clinic).

NM_182961.4(SYNE1):c.12170C>T (p.Pro4057Leu)

Gene: SYNE1 (spectrin repeat containing nuclear envelope protein 1; minus strand). Cytogenetic location: 6q25.2.
Variant type: single nucleotide variant.
Coding change: c.12170C>T on transcript NM_182961.4 (MANE Select); coding-DNA position 12170, C replaced by T.
Protein change: p.Pro4057Leu; replaces proline 4057 with leucine.
Molecular consequence: missense variant.
Genome position (GRCh38, 1-based): chr6:152,344,136, G>A on the plus strand (C>T on the coding strand, the complement: SYNE1 is on the minus strand). VCF-style: chr6-152344136-G-A. GRCh37 (hg19) VCF-style: chr6-152665271-G-A.
Other names: p.Pro3986Leu; c.11957C>T, p.Pro3986Leu (NM_033071.5); short protein forms P3986L, P4057L.
Identifiers: ClinVar variation 285705 (VCV000285705.20), dbSNP rs150179494, ClinGen allele CA4056489.
Genomic context (GRCh38, chr6:152,344,136, plus strand): 5'-ACTACCTGCTTAATGGCTTCTGCCCTACTAAGAGGTGGTTGAGGACTTGGCTCTAAATCC[G>A]GCTGGACTGCAGAAAGCCAGGCCTGGCACTGCTGCAGGGTGTCTTGTCGGCTGACGTGCT-3'
Protein context (NP_892006.3, residues 4047-4067): QCQAWLSAVQ[Pro4057Leu]DLEPSPQPPL